The following is an entry in ClinVar:

NM_032387.5(WNK4):c.622C>T (p.Arg208Trp)

Gene: WNK4 (WNK lysine deficient protein kinase 4; plus strand). Cytogenetic location: 17q21.2.
Variant type: single nucleotide variant.
Coding change: c.622C>T on transcript NM_032387.5 (MANE Select); coding-DNA position 622, C replaced by T.
Protein change: p.Arg208Trp; replaces arginine 208 with tryptophan.
Molecular consequence: missense variant. On other transcripts: 5 prime UTR variant (1).
Genome position (GRCh38, 1-based): chr17:42,782,761, C>T. VCF-style: chr17-42782761-C-T. GRCh37 (hg19) VCF-style: chr17-40934779-C-T.
Other names: c.-298C>T (NM_001321299.2); short protein forms R208W.
Identifiers: ClinVar variation 3664719 (VCV003664719.2).

ClinVar aggregate classification (germline): Uncertain significance (1 of 4 stars; one submission).

gnomAD v4.1: 121 of 1,614,034 alleles (0.0075%); highest among the groups gnomAD compares: Non-Finnish European, 0.0098%; no homozygotes.

Submission:

Labcorp Genetics (formerly Invitae), Labcorp
Classification: Uncertain significance. Last evaluated: 2024-04-02. Review status: criteria provided, single submitter. Criteria: Invitae Variant Classification Sherloc (09022015). Collection method: clinical testing. Allele origin: germline.
Comment: This sequence change replaces arginine, which is basic and polar, with tryptophan, which is neutral and slightly polar, at codon 208 of the WNK4 protein (p.Arg208Trp). This variant is present in population databases (rs201212813, gnomAD 0.01%). This variant has not been reported in the literature in individuals affected with WNK4-related conditions. Advanced modeling of protein sequence and biophysical properties (such as structural, functional, and spatial information, amino acid conservation, physicochemical variation, residue mobility, and thermodynamic stability) performed at Invitae indicates that this missense variant is not expected to disrupt WNK4 protein function with a negative predictive value of 95%. In summary, the available evidence is currently insufficient to determine the role of this variant in disease. Therefore, it has been classified as a Variant of Uncertain Significance.